The following is an entry in ClinVar:

NM_001005242.3(PKP2):c.410A>C (p.Glu137Ala)

Gene: PKP2 (plakophilin 2; minus strand). Cytogenetic location: 12p11.21.
Variant type: single nucleotide variant.
Coding change: c.410A>C on transcript NM_001005242.3 (MANE Select); coding-DNA position 410, A replaced by C.
Protein change: p.Glu137Ala; replaces glutamic acid 137 with alanine.
Molecular consequence: missense variant.
Genome position (GRCh38, 1-based): chr12:32,878,470, T>G on the plus strand (A>C on the coding strand, the complement: PKP2 is on the minus strand). VCF-style: chr12-32878470-T-G. GRCh37 (hg19) VCF-style: chr12-33031404-T-G.
Other names: c.410A>C, p.Glu137Ala (NM_001407155.1, NM_001407156.1, NM_001407157.1 and 2 more transcripts); c.83A>C, p.Glu28Ala (NM_001407158.1, NM_001407159.1, NM_001407160.1 and 1 more transcripts); short protein forms E137A, E28A.
Identifiers: ClinVar variation 3224323 (VCV003224323.1), dbSNP rs2541342621, ClinGen allele CA384365366.
Genomic context (GRCh38, chr12:32,878,470, plus strand): 5'-TCCGGGCTGCTGTCAGGAGAAATCTCCAGTCTCCTCAGAGGATGCCTCAAGGACCTTTCT[T>G]CCACGGACTTCTGGGAGCTGTACTGTGCTGTTCCTCTTCCCCAGCGACCTTCATAAGTGG-3'
Protein context (NP_001005242.2, residues 127-147): TAQYSSQKSV[Glu137Ala]ERSLRHPLRR

ClinVar aggregate classification (germline): Uncertain significance (1 of 4 stars; one submission).

Conditions:
Cardiovascular phenotype. Identifiers: MedGen CN230736.

Submission:

Ambry Genetics
Classification: Uncertain significance for Cardiovascular phenotype. Last evaluated: 2024-01-22. Review status: criteria provided, single submitter. Criteria: Ambry Variant Classification Scheme 2023. Collection method: clinical testing. Allele origin: germline.
Comment: The p.E137A variant (also known as c.410A>C), located in coding exon 3 of the PKP2 gene, results from an A to C substitution at nucleotide position 410. The glutamic acid at codon 137 is replaced by alanine, an amino acid with dissimilar properties. This amino acid position is conserved. In addition, the in silico prediction for this alteration is inconclusive. Based on the available evidence, the clinical significance of this alteration remains unclear.